The following is an entry in ClinVar:

NM_020134.4(DPYSL5):c.1089+1G>T

Gene: DPYSL5 (dihydropyrimidinase like 5; plus strand). Cytogenetic location: 2p23.3.
Variant type: single nucleotide variant.
Coding change: c.1089+1G>T on transcript NM_020134.4 (MANE Select); the canonical splice donor site of the intron after coding-DNA position 1089, G replaced by T.
Molecular consequence: splice donor variant.
Genome position (GRCh38, 1-based): chr2:26,940,173, G>T. VCF-style: chr2-26940173-G-T. GRCh37 (hg19) VCF-style: chr2-27163041-G-T.
Other names: c.1089+1G>T (NM_001253724.2, NM_001253723.2).
Identifiers: ClinVar variation 3366116 (VCV003366116.1).

ClinVar aggregate classification (germline): Uncertain significance (1 of 4 stars; one submission).

Submission:

GeneDx
Classification: Uncertain significance. Last evaluated: 2023-10-22. Review status: criteria provided, single submitter. Criteria: GeneDx Variant Classification Process June 2021. Collection method: clinical testing. Allele origin: germline. Affected: yes.
Comment: Not observed at significant frequency in large population cohorts (gnomAD); Canonical splice site variant in a gene for which loss-of-function is not an established mechanism of disease; Has not been previously published as pathogenic or benign to our knowledge